The following is an entry in ClinVar:

NM_000271.5(NPC1):c.1166G>A (p.Arg389His)

Gene: NPC1 (NPC intracellular cholesterol transporter 1; minus strand). Cytogenetic location: 18q11.2.
Variant type: single nucleotide variant.
Coding change: c.1166G>A on transcript NM_000271.5 (MANE Select); coding-DNA position 1166, G replaced by A.
Protein change: p.Arg389His; replaces arginine 389 with histidine.
Molecular consequence: missense variant.
Genome position (GRCh38, 1-based): chr18:23,556,403, C>T on the plus strand (G>A on the coding strand, the complement: NPC1 is on the minus strand). VCF-style: chr18-23556403-C-T. GRCh37 (hg19) VCF-style: chr18-21136367-C-T.
Other names: short protein forms R389H.
Identifiers: ClinVar variation 1494721 (VCV001494721.7), dbSNP rs373751051, ClinGen allele CA8913527.

ClinVar aggregate classification (germline): Conflicting classifications of pathogenicity. Review status: criteria provided, conflicting classifications (1 of 4 stars). 2 submissions from 2 submitters: Likely pathogenic (1); Uncertain significance (1). Last evaluated 2026-01-03.

Conditions:
Niemann-Pick disease, type C1. Also called: NEUROVISCERAL STORAGE DISEASE WITH VERTICAL SUPRANUCLEAR OPHTHALMOPLEGIA; NIEMANN-PICK DISEASE WITH CHOLESTEROL ESTERIFICATION BLOCK; NIEMANN-PICK DISEASE WITHOUT SPHINGOMYELINASE DEFICIENCY; NIEMANN-PICK DISEASE, CHRONIC NEURONOPATHIC FORM; NIEMANN-PICK DISEASE, VARIANT TYPE C1. Identifiers: Orphanet 646, MedGen C3179455, MONDO:0009757, OMIM 257220.

Allele frequency attached by ClinVar (database versions not stated): ESP Exome Variant Server 0.00008; gnomAD exomes 0.00003; TOPMed 0.00003; ExAC 0.00004; gnomAD 0.00003 and 0.00004.

Submissions (2):

Labcorp Genetics (formerly Invitae), Labcorp
Classification: Likely pathogenic for Niemann-Pick disease, type C1. Last evaluated: 2026-01-03. Review status: criteria provided, single submitter. Criteria: Invitae Variant Classification Sherloc (09022015). Collection method: clinical testing. Allele origin: germline.
Comment: This sequence change replaces arginine, which is basic and polar, with histidine, which is basic and polar, at codon 389 of the NPC1 protein (p.Arg389His). This variant is present in population databases (rs373751051, gnomAD 0.01%). This missense change has been observed in individual(s) with clinical features of NPC1-related conditions (PMID: 28703315). ClinVar contains an entry for this variant (Variation ID: 1494721). Invitae Evidence Modeling of protein sequence and biophysical properties (such as structural, functional, and spatial information, amino acid conservation, physicochemical variation, residue mobility, and thermodynamic stability) indicates that this missense variant is expected to disrupt NPC1 protein function with a positive predictive value of 95%. This variant disrupts the p.Arg389 amino acid residue in NPC1. Other variant(s) that disrupt this residue have been determined to be pathogenic (PMID: 12955717; internal data). This suggests that this residue is clinically significant, and that variants that disrupt this residue are likely to be disease-causing. In summary, the currently available evidence indicates that the variant is pathogenic, but additional data are needed to prove that conclusively. Therefore, this variant has been classified as Likely Pathogenic.

Juno Genomics, Hangzhou Juno Genomics, Inc
Classification: Uncertain significance for Niemann-Pick disease, type C1. Review status: criteria provided, single submitter. Criteria: ACMG Guidelines, 2015. Collection method: clinical testing. Allele origin: germline. Affected: yes.
Comment: Absent from controls (or at extremely low frequency if recessive) in Genome Aggregation Database.;Patient's phenotype or family history is highly specific for a disease with a single genetic etiology.;Novel missense change at an amino acid residue where a different missense change determined to be pathogenic has been seen before.

Literature cited by the submitters: PubMed 28703315 (cited by Labcorp Genetics (formerly Invitae), Labcorp); PubMed 12955717 (cited by Labcorp Genetics (formerly Invitae), Labcorp).